The following is an entry in ClinVar:

ClinVar aggregate classification (germline): Pathogenic (1 of 4 stars; one submission).

Conditions:
Hereditary antithrombin deficiency (AT3D). Also called: Reduced antithrombin III activity; Antithrombin III deficiency; Thrombophilia due to antithrombin III deficiency; Antithrombin deficiency. Identifiers: Orphanet 82, MedGen C0272375, MONDO:0013144, OMIM 613118, HP:0001976.

Submission:

Labcorp Genetics (formerly Invitae), Labcorp
Classification: Pathogenic for Hereditary antithrombin deficiency. Last evaluated: 2023-08-30. Review status: criteria provided, single submitter. Criteria: Invitae Variant Classification Sherloc (09022015). Collection method: clinical testing. Allele origin: germline.
Comment: For these reasons, this variant has been classified as Pathogenic. This variant has not been reported in the literature in individuals affected with SERPINC1-related conditions. This variant is not present in population databases (gnomAD no frequency). This sequence change creates a premature translational stop signal (p.His33Glnfs*32) in the SERPINC1 gene. It is expected to result in an absent or disrupted protein product. Loss-of-function variants in SERPINC1 are known to be pathogenic (PMID: 21264449).

Literature cited by the submitters: PubMed 21264449.

NM_000488.4(SERPINC1):c.98dup (p.His33fs)

Gene: SERPINC1 (serpin family C member 1; minus strand). Cytogenetic location: 1q25.1.
Variant type: Duplication.
Coding change: c.98dup on transcript NM_000488.4 (MANE Select); coding-DNA position 98, one base duplicated (A; older notation c.98dupA).
Protein change: p.His33fs; shifts the reading frame from histidine 33.
Molecular consequence: frameshift variant. On other transcripts: 5 prime UTR variant (1).
Genome position (GRCh38, 1-based): chr1:173,914,863, T duplicated on the plus strand (A on the coding strand, the reverse complement: SERPINC1 is on the minus strand). VCF-style (leftmost placement, unchanged base first): chr1-173914862-G-GT. GRCh37 (hg19) VCF-style: chr1-173884000-G-GT.
Other names: c.-47dup (NM_001365052.2); c.98dup, p.His33fs (NM_001386302.1, NM_001386304.1, NM_001386305.1 and 1 more transcripts); c.179dup, p.His60fs (NM_001386303.1); short protein forms H33fs, H60fs.
Identifiers: ClinVar variation 2777095 (VCV002777095.3), dbSNP rs2526596951, ClinGen allele CA2739275404.